The following is an entry in ClinVar:

ClinVar aggregate classification (germline): Uncertain significance (1 of 4 stars; one submission).

Allele frequency attached by ClinVar (database versions not stated): gnomAD exomes below 0.00001.
gnomAD v4.1: 4 of 1,613,310 alleles (0.00025%); highest among the groups gnomAD compares: South Asian, 0.0033%; no homozygotes.

Submission:

Labcorp Genetics (formerly Invitae), Labcorp
Classification: Uncertain significance. Last evaluated: 2021-08-26. Review status: criteria provided, single submitter. Criteria: Invitae Variant Classification Sherloc (09022015). Collection method: clinical testing. Allele origin: germline.
Comment: This sequence change replaces leucine with valine at codon 756 of the ADAMTS10 protein (p.Leu756Val). The leucine residue is moderately conserved and there is a small physicochemical difference between leucine and valine. This variant is not present in population databases (ExAC no frequency). This variant has not been reported in the literature in individuals affected with ADAMTS10-related conditions. Algorithms developed to predict the effect of missense changes on protein structure and function (SIFT, PolyPhen-2, Align-GVGD) all suggest that this variant is likely to be tolerated. In summary, the available evidence is currently insufficient to determine the role of this variant in disease. Therefore, it has been classified as a Variant of Uncertain Significance.

NM_030957.4(ADAMTS10):c.2266C>G (p.Leu756Val)

Gene: ADAMTS10 (ADAM metallopeptidase with thrombospondin type 1 motif 10; minus strand). Cytogenetic location: 19p13.2.
Variant type: single nucleotide variant.
Coding change: c.2266C>G on transcript NM_030957.4 (MANE Select); coding-DNA position 2266, C replaced by G.
Protein change: p.Leu756Val; replaces leucine 756 with valine.
Molecular consequence: missense variant.
Genome position (GRCh38, 1-based): chr19:8,586,695, G>C on the plus strand (C>G on the coding strand, the complement: ADAMTS10 is on the minus strand). VCF-style: chr19-8586695-G-C. GRCh37 (hg19) VCF-style: chr19-8651579-G-C.
Other names: c.727C>G, p.Leu243Val (NM_001282352.2); short protein forms L243V, L756V.
Identifiers: ClinVar variation 1346023 (VCV001346023.5), dbSNP rs1555737335, ClinGen allele CA403750147.